The following is an entry in ClinVar:

ClinVar aggregate classification (germline): Likely benign. Review status: criteria provided, multiple submitters, no conflicts (2 of 4 stars). 3 submissions from 3 submitters: Likely benign (2). 1 of the submissions does not count toward it. Last evaluated 2024-11-21.

Conditions:
GPC3-related disorder. Also called: GPC3-related condition.
Wilms tumor 1 (WT1). Also called: Wilms tumor, somatic. Identifiers: Orphanet 654, MedGen CN033288, MONDO:0008679, OMIM 194070.

gnomAD v4.1: 13 of 1,201,124 alleles (0.0011%); highest among the groups gnomAD compares: Non-Finnish European, 0.0014%; no homozygotes.

Submissions (3):

Blueprint Genetics
Classification: Likely benign. Last evaluated: 2024-11-21. Review status: criteria provided, single submitter. Criteria: ACMG Guidelines, 2015. Collection method: clinical testing. Allele origin: germline.

Labcorp Genetics (formerly Invitae), Labcorp
Classification: Likely benign for Wilms tumor 1. Last evaluated: 2024-04-10. Review status: criteria provided, single submitter. Criteria: Invitae Variant Classification Sherloc (09022015). Collection method: clinical testing. Allele origin: germline.

PreventionGenetics, part of Exact Sciences
Classification: Likely benign for GPC3-related condition. Last evaluated: 2023-10-24. Review status: no assertion criteria provided. Collection method: clinical testing. Allele origin: germline. Not counted in ClinVar's aggregate classification.
Comment: This variant is classified as likely benign based on ACMG/AMP sequence variant interpretation guidelines (Richards et al. 2015 PMID: 25741868, with internal and published modifications).

NM_004484.4(GPC3):c.1665C>T (p.Leu555=)

Gene: GPC3 (glypican 3; minus strand). Cytogenetic location: Xq26.2.
Variant type: single nucleotide variant.
Coding change: c.1665C>T on transcript NM_004484.4 (MANE Select); coding-DNA position 1665, C replaced by T.
Protein change: p.Leu555=; no amino-acid change (leucine 555 retained).
Molecular consequence: synonymous variant.
Genome position (GRCh38, 1-based): chrX:133,536,202, G>A on the plus strand (C>T on the coding strand, the complement: GPC3 is on the minus strand). VCF-style: chrX-133536202-G-A. GRCh37 (hg19) VCF-style: chrX-132670230-G-A.
Other names: c.1734C>T, p.Leu578= (NM_001164617.2); c.1617C>T, p.Leu539= (NM_001164618.2); c.1503C>T, p.Leu501= (NM_001164619.2).
Identifiers: ClinVar variation 700085 (VCV000700085.14), dbSNP rs1248944051, ClinGen allele CA518632200.